The following is an entry in ClinVar:

NM_139242.4(MTFMT):c.645+19C>G

Gene: MTFMT (mitochondrial methionyl-tRNA formyltransferase; minus strand). Cytogenetic location: 15q22.31.
Variant type: single nucleotide variant.
Coding change: c.645+19C>G on transcript NM_139242.4 (MANE Select); 19 bases into the intron after coding-DNA position 645, C replaced by G.
Molecular consequence: intron variant.
Genome position (GRCh38, 1-based): chr15:65,021,495, G>C on the plus strand (C>G on the coding strand, the complement: MTFMT is on the minus strand). VCF-style: chr15-65021495-G-C. GRCh37 (hg19) VCF-style: chr15-65313833-G-C.
Identifiers: ClinVar variation 386509 (VCV000386509.9), dbSNP rs201472455, ClinGen allele CA7613307.

ClinVar aggregate classification (germline): Benign/Likely benign. Review status: criteria provided, multiple submitters, no conflicts (2 of 4 stars). 3 submissions from 3 submitters: Benign (1); Likely benign (2). Last evaluated 2025-09-22.

Allele frequency attached by ClinVar (database versions not stated): TOPMed 0.00014; gnomAD 0.00015 and 0.00016; ExAC 0.00016; ESP Exome Variant Server 0.00034.
gnomAD v4.1: 218 of 1,562,200 alleles (0.014%); highest among the groups gnomAD compares: Admixed American, 0.0083%; no homozygotes.

Submissions (3):

Labcorp Genetics (formerly Invitae), Labcorp
Classification: Benign. Last evaluated: 2025-09-22. Review status: criteria provided, single submitter. Criteria: Invitae Variant Classification Sherloc (09022015). Collection method: clinical testing. Allele origin: germline.

Blueprint Genetics
Classification: Likely benign. Last evaluated: 2024-05-02. Review status: criteria provided, single submitter. Criteria: ACMG Guidelines, 2015. Collection method: clinical testing. Allele origin: germline.

GeneDx
Classification: Likely benign. Last evaluated: 2016-06-03. Review status: criteria provided, single submitter. Criteria: GeneDx Variant Classification (06012015). Collection method: clinical testing. Allele origin: germline. Affected: yes.
Comment: This variant is considered likely benign or benign based on one or more of the following criteria: it is a conservative change, it occurs at a poorly conserved position in the protein, it is predicted to be benign by multiple in silico algorithms, and/or has population frequency not consistent with disease.